The following is an entry in ClinVar:

ClinVar aggregate classification (germline): Pathogenic (1 of 4 stars; one submission).

Submission:

Mayo Clinic Laboratories, Mayo Clinic
Classification: Pathogenic. Last evaluated: 2020-10-07. Review status: criteria provided, single submitter. Criteria: ACMG Guidelines, 2015. Collection method: clinical testing. Allele origin: germline. Observed: 1 variant allele.
Comment: A deletion of exons 30-35 of the MYBPC3 gene. PVS1, PM1, PM2

Literature cited by the submitters: PubMed 31730716; PubMed 9048664.

Single allele

Gene: MYBPC3 (myosin binding protein C3; minus strand). Cytogenetic location: 11p11.2.
Variant type: Deletion.
Identifiers: ClinVar variation 1120154 (VCV001120154.5).